The following is an entry in ClinVar:

NM_001371986.1(UNC80):c.9616C>T (p.Pro3206Ser)

Gene: UNC80 (unc-80 homolog, NALCN channel complex subunit; plus strand). Cytogenetic location: 2q34.
Variant type: single nucleotide variant.
Coding change: c.9616C>T on transcript NM_001371986.1 (MANE Select); coding-DNA position 9616, C replaced by T.
Protein change: p.Pro3206Ser; replaces proline 3206 with serine.
Molecular consequence: missense variant.
Genome position (GRCh38, 1-based): chr2:209,994,172, C>T. VCF-style: chr2-209994172-C-T. GRCh37 (hg19) VCF-style: chr2-210858896-C-T.
Other names: c.9418C>T, p.Pro3140Ser (NM_032504.2); c.9346C>T, p.Pro3116Ser (NM_182587.4); short protein forms P3140S, P3116S, P3206S.
Identifiers: ClinVar variation 392185 (VCV000392185.7), dbSNP rs914003045, ClinGen allele CA16604028.

ClinVar aggregate classification (germline): Uncertain significance. Review status: criteria provided, multiple submitters, no conflicts (2 of 4 stars). 2 submissions from 2 submitters: Uncertain significance (2). Last evaluated 2022-08-19.

Allele frequency attached by ClinVar (database versions not stated): TOPMed 0.00003; gnomAD 0.00001.
gnomAD v4.1: 9 of 1,551,428 alleles (0.00058%); highest among the groups gnomAD compares: African/African-American, 0.0014%; no homozygotes.

Submissions (2):

Labcorp Genetics (formerly Invitae), Labcorp
Classification: Uncertain significance. Last evaluated: 2022-08-19. Review status: criteria provided, single submitter. Criteria: Invitae Variant Classification Sherloc (09022015). Collection method: clinical testing. Allele origin: germline.
Comment: In summary, the available evidence is currently insufficient to determine the role of this variant in disease. Therefore, it has been classified as a Variant of Uncertain Significance. Algorithms developed to predict the effect of missense changes on protein structure and function output the following: SIFT: "Not Available"; PolyPhen-2: "Benign"; Align-GVGD: "Not Available". The serine amino acid residue is found in multiple mammalian species, which suggests that this missense change does not adversely affect protein function. ClinVar contains an entry for this variant (Variation ID: 392185). This variant has not been reported in the literature in individuals affected with UNC80-related conditions. This variant is not present in population databases (gnomAD no frequency). This sequence change replaces proline, which is neutral and non-polar, with serine, which is neutral and polar, at codon 3140 of the UNC80 protein (p.Pro3140Ser).

GeneDx
Classification: Uncertain significance. Last evaluated: 2017-01-13. Review status: criteria provided, single submitter. Criteria: GeneDx Variant Classification (06012015). Collection method: clinical testing. Allele origin: germline. Affected: yes.
Comment: The P3140S variant in the UNC80 gene has not been reported previously as a pathogenic variant, nor as a benign variant, to our knowledge. The P3140S variant was not observed in approximately 2280 individuals of European and African American ancestry in the NHLBI Exome Sequencing Project, indicating it is not a common benign variant in these populations. The P3140S variant is a non-conservative amino acid substitution, which is likely to impact secondary protein structure as these residues differ in polarity, charge, size and/or other properties. This substitution occurs at a position that is not conserved. In silico analysis predicts this variant likely does not alter the protein structure/function. We interpret P3140S as a variant of uncertain significance.